The following is an entry in ClinVar:

ClinVar aggregate classification (germline): Uncertain significance. Review status: criteria provided, multiple submitters, no conflicts (2 of 4 stars). 2 submissions from 2 submitters: Uncertain significance (2). Last evaluated 2025-08-01.

Conditions:
Inborn genetic diseases. Identifiers: MedGen C0950123, MeSH D030342.
Congenital hypothalamic hamartoma syndrome. Also called: PALLISTER-HALL-LIKE SYNDROME. Identifiers: MedGen C5435677, MONDO:0009436, OMIM 241800.

Submissions (2):

Clinical Genomics Laboratory, Washington University in St. Louis
Classification: Uncertain significance for Congenital hypothalamic hamartoma syndrome. Last evaluated: 2025-08-01. Review status: criteria provided, single submitter. Criteria: ACMG Guidelines, 2015. Collection method: clinical testing. Allele origin: germline.
Comment: A SMO c.1534C>T c. (p.Arg512Cys) variant was identified at a near heterozygous allelic fraction of 48.3%, a frequency which may be consistent with it being of germline origin. This variant, to our knowledge, has not been reported in the medical literature. This variant is only observed in 2/1,614,012 alleles in the general population (gnomAD v4.1.0), indicating it is not a common variant. Computational predictors indicate that the variant is damaging, evidence that correlates with impact to SMO function. This variant has been reported in the ClinVar database as a germline vairant of uncertain significance by a single submitter. Due to limited information, and based on ACMG/AMP guidelines for variant interpretation (Richards S et al., PMID: 25741868), the clinical significance of this variant is uncertain at this time.

Ambry Genetics
Classification: Uncertain significance for Inborn genetic diseases. Last evaluated: 2025-04-12. Review status: criteria provided, single submitter. Criteria: Ambry Variant Classification Scheme 2023. Collection method: clinical testing. Allele origin: germline.

NM_005631.5(SMO):c.1534C>T (p.Arg512Cys)

Gene: SMO (smoothened, frizzled class receptor; plus strand). Cytogenetic location: 7q32.1.
Variant type: single nucleotide variant.
Coding change: c.1534C>T on transcript NM_005631.5 (MANE Select); coding-DNA position 1534, C replaced by T.
Protein change: p.Arg512Cys; replaces arginine 512 with cysteine.
Molecular consequence: missense variant.
Genome position (GRCh38, 1-based): chr7:129,210,430, C>T. VCF-style: chr7-129210430-C-T. GRCh37 (hg19) VCF-style: chr7-128850271-C-T.
Other names: short protein forms R512C.
Identifiers: ClinVar variation 3958877 (VCV003958877.2).
Genomic context (GRCh38, chr7:129,210,430, plus strand): 5'-GCCAATGTGACCATCGGGCTGCCCACCAAGCAGCCCATCCCTGACTGTGAGATCAAGAAT[C>T]GCCCGAGCCTTCTGGTGGAGAAGATCAACCTGTTTGCCATGTTTGGAACTGGCATCGCCA-3'
Protein context (NP_005622.1, residues 502-522): QPIPDCEIKN[Arg512Cys]PSLLVEKINL